The following is an entry in ClinVar:

NM_001943.5(DSG2):c.222T>C (p.His74=)

Gene: DSG2 (desmoglein 2; plus strand). Cytogenetic location: 18q12.1.
Variant type: single nucleotide variant.
Coding change: c.222T>C on transcript NM_001943.5 (MANE Select); coding-DNA position 222, T replaced by C.
Protein change: p.His74=; no amino-acid change (histidine 74 retained).
Molecular consequence: synonymous variant.
Genome position (GRCh38, 1-based): chr18:31,520,808, T>C. VCF-style: chr18-31520808-T-C. GRCh37 (hg19) VCF-style: chr18-29100771-T-C.
Identifiers: ClinVar variation 44299 (VCV000044299.26), dbSNP rs367797047, ClinGen allele CA021725.

ClinVar aggregate classification (germline): Likely benign. Review status: criteria provided, multiple submitters, no conflicts (2 of 4 stars). 12 submissions from 12 submitters: Likely benign (7). 5 of the submissions do not count toward it. Last evaluated 2025-10-22.

Conditions:
Cardiovascular phenotype. Identifiers: MedGen CN230736.
Cardiomyopathy (CMYO). Also called: Cardiomyopathies. Identifiers: Orphanet 167848, MedGen C0878544, MONDO:0004994, HP:0001638. Inheritance: Various modes of inheritance.
Arrhythmogenic right ventricular cardiomyopathy (ARVD). Also called: Arrhythmogenic right ventricular dysplasia; Arrhythmogenic cardiomyopathy; Arrhythmogenic Right Ventricular Cardiomyopathy (ARVC); Cardiomyopathy, ARVC. Identifiers: Orphanet 247, MedGen C0349788, MeSH D019571, MONDO:0016587. Disease mechanism: loss of function. Inheritance: Various modes of inheritance.
Arrhythmogenic right ventricular dysplasia 10. Also called: ARRHYTHMOGENIC RIGHT VENTRICULAR DYSPLASIA, FAMILIAL, 10; Arrhythmogenic Right Ventricular Dysplasia/Cardiomyopathy10; Arrhythmogenic right ventricular dysplasia/cardiomyopathy, type 10. Identifiers: MedGen C1857777, MONDO:0012434, OMIM 610193.

Allele frequency attached by ClinVar (database versions not stated): ESP Exome Variant Server 0.00009; 1000 Genomes Project 30x 0.00016; 1000 Genomes Project 0.00020; gnomAD 0.00001 and 0.00002; gnomAD exomes 0.00002 and 0.00004; ExAC 0.00003; TOPMed 0.00004.

Submissions (12):

Labcorp Genetics (formerly Invitae), Labcorp
Classification: Likely benign for Arrhythmogenic right ventricular dysplasia 10. Last evaluated: 2025-10-22. Review status: criteria provided, single submitter. Criteria: Invitae Variant Classification Sherloc (09022015). Collection method: clinical testing. Allele origin: germline.

Ambry Genetics
Classification: Likely benign for Cardiovascular phenotype. Last evaluated: 2024-04-27. Review status: criteria provided, single submitter. Criteria: Ambry Variant Classification Scheme 2023. Collection method: clinical testing. Allele origin: germline.

All of Us Research Program, National Institutes of Health
Classification: Likely benign for Arrhythmogenic right ventricular cardiomyopathy. Last evaluated: 2023-11-28. Review status: criteria provided, single submitter. Criteria: ACMG Guidelines, 2015. Collection method: clinical testing. Allele origin: germline. Inheritance: Autosomal dominant inheritance. Observed: 8 variant alleles, 8 heterozygotes.
Comment: This study involves interpretation of variants in research participants for the purpose of population health screening. Participant phenotype was not available at the time of variant classification. Additional details can be found in publication PMID: 35346344, PMCID: PMC8962531

Women's Health and Genetics/Laboratory Corporation of America, LabCorp
Classification: Likely benign. Last evaluated: 2023-08-19. Review status: criteria provided, single submitter. Criteria: LabCorp Variant Classification Summary - May 2015. Collection method: clinical testing. Allele origin: germline.

Color Diagnostics, LLC DBA Color Health
Classification: Likely benign for Cardiomyopathy. Last evaluated: 2020-03-17. Review status: criteria provided, single submitter. Criteria: ACMG Guidelines, 2015. Collection method: clinical testing. Allele origin: germline.

GeneDx
Classification: Likely benign. Last evaluated: 2019-09-24. Review status: criteria provided, single submitter. Criteria: GeneDx Variant Classification Process June 2021. Collection method: clinical testing. Allele origin: germline. Affected: yes.

Laboratory for Molecular Medicine, Mass General Brigham Personalized Medicine
Classification: Likely benign. Last evaluated: 2010-01-04. Review status: criteria provided, single submitter. Criteria: LMM Criteria. Collection method: clinical testing. Allele origin: germline. Observed: 2 variant alleles.

Clinical Genetics DNA and cytogenetics Diagnostics Lab, Erasmus MC, Erasmus Medical Center
Classification: Likely benign. Review status: no assertion criteria provided. Collection method: clinical testing. Allele origin: germline. Affected: yes. Study: VKGL Data-share Consensus. Not counted in ClinVar's aggregate classification.

Clinical Genetics, Academic Medical Center
Classification: Benign. Review status: no assertion criteria provided. Collection method: clinical testing. Allele origin: germline. Affected: yes. Study: VKGL Data-share Consensus. Not counted in ClinVar's aggregate classification.

Diagnostic Laboratory, Department of Genetics, University Medical Center Groningen
Classification: Likely benign. Review status: no assertion criteria provided. Collection method: clinical testing. Allele origin: germline. Affected: yes. Study: VKGL Data-share Consensus. Not counted in ClinVar's aggregate classification.

Genome Diagnostics Laboratory, University Medical Center Utrecht
Classification: Likely benign. Review status: no assertion criteria provided. Collection method: clinical testing. Allele origin: germline. Affected: yes. Study: VKGL Data-share Consensus. Not counted in ClinVar's aggregate classification.

Joint Genome Diagnostic Labs from Nijmegen and Maastricht, Radboudumc and MUMC+
Classification: Benign. Review status: no assertion criteria provided. Collection method: clinical testing. Allele origin: germline. Affected: yes. Study: VKGL Data-share Consensus. Not counted in ClinVar's aggregate classification.